The following is an entry in ClinVar:

NM_001079802.2(FKTN):c.648-4T>C

Gene: FKTN (fukutin; plus strand). Cytogenetic location: 9q31.2.
Variant type: single nucleotide variant.
Coding change: c.648-4T>C on transcript NM_001079802.2 (MANE Select); 4 bases into the intron before coding-DNA position 648, T replaced by C.
Molecular consequence: intron variant.
Genome position (GRCh38, 1-based): chr9:105,607,815, T>C. VCF-style: chr9-105607815-T-C. GRCh37 (hg19) VCF-style: chr9-108370096-T-C.
Other names: c.648-4T>C (NM_001079802.1, NM_006731.2, NM_001351496.2 and 2 more transcripts); c.252-4T>C (NM_001351502.2, NM_001351499.2, NM_001351500.2 and 1 more transcripts); c.579-4T>C (NM_001351497.2).
Identifiers: ClinVar variation 1147859 (VCV001147859.11), dbSNP rs1829177357, ClinGen allele CA1127711290.

ClinVar aggregate classification (germline): Conflicting classifications of pathogenicity. Review status: criteria provided, conflicting classifications (1 of 4 stars). 2 submissions from 2 submitters: Uncertain significance (1); Likely benign (1). Last evaluated 2021-09-17.

Conditions:
Cardiovascular phenotype. Identifiers: MedGen CN230736.
Walker-Warburg congenital muscular dystrophy. Also called: Muscular dystrophy-dystroglycanopathy, type A; Walker-Warburg syndrome. Identifiers: Orphanet 899, MedGen C0265221, MONDO:0000171.

Allele frequency attached by ClinVar (database versions not stated): gnomAD exomes below 0.00001.

Submissions (2):

Ambry Genetics
Classification: Uncertain significance for Cardiovascular phenotype. Last evaluated: 2021-09-17. Review status: criteria provided, single submitter. Criteria: Ambry Variant Classification Scheme 2023. Collection method: clinical testing. Allele origin: germline.
Comment: The c.648-4T>C intronic alteration consists of a T to C substitution 4 nucleotides before exon 7 (coding exon 5) of the FKTN gene. Based on insufficient or conflicting evidence, the clinical significance of this alteration remains unclear.

Labcorp Genetics (formerly Invitae), Labcorp
Classification: Likely benign for Walker-Warburg congenital muscular dystrophy. Last evaluated: 2019-12-27. Review status: criteria provided, single submitter. Criteria: Invitae Variant Classification Sherloc (09022015). Collection method: clinical testing. Allele origin: germline.